The following is an entry in ClinVar:

NM_002386.4(MC1R):c.383T>C (p.Met128Thr)

Gene: MC1R (melanocortin 1 receptor; plus strand). Cytogenetic location: 16q24.3.
Variant type: single nucleotide variant.
Coding change: c.383T>C on transcript NM_002386.4 (MANE Select); coding-DNA position 383, T replaced by C.
Protein change: p.Met128Thr; replaces methionine 128 with threonine.
Molecular consequence: missense variant.
Genome position (GRCh38, 1-based): chr16:89,919,641, T>C. VCF-style: chr16-89919641-T-C. GRCh37 (hg19) VCF-style: chr16-89986049-T-C.
Other names: short protein forms M128T.
Identifiers: ClinVar variation 887938 (VCV000887938.10), dbSNP rs374235260, ClinGen allele CA8255575.

ClinVar aggregate classification (germline): Uncertain significance. Review status: criteria provided, multiple submitters, no conflicts (2 of 4 stars). 2 submissions from 2 submitters: Uncertain significance (2). Last evaluated 2024-08-17.

Conditions:
Melanoma, cutaneous malignant, susceptibility to, 5. Also called: Cutaneous malignant melanoma 5. Identifiers: Orphanet 618, MedGen C2751295, MONDO:0013133, OMIM 613099.

Allele frequency attached by ClinVar (database versions not stated): ExAC 0.00003; TOPMed 0.00003; gnomAD 0.00005 and 0.00006; ESP Exome Variant Server 0.00008.

Submissions (2):

Labcorp Genetics (formerly Invitae), Labcorp
Classification: Uncertain significance for Melanoma, cutaneous malignant, susceptibility to, 5. Last evaluated: 2024-08-17. Review status: criteria provided, single submitter. Criteria: Invitae Variant Classification Sherloc (09022015). Collection method: clinical testing. Allele origin: germline.
Comment: This sequence change replaces methionine, which is neutral and non-polar, with threonine, which is neutral and polar, at codon 128 of the MC1R protein (p.Met128Thr). This variant is present in population databases (rs374235260, gnomAD 0.01%). This missense change has been observed in individual(s) with melanoma (PMID: 17434924, 19338054, 23647022). ClinVar contains an entry for this variant (Variation ID: 887938). Invitae Evidence Modeling of protein sequence and biophysical properties (such as structural, functional, and spatial information, amino acid conservation, physicochemical variation, residue mobility, and thermodynamic stability) indicates that this missense variant is not expected to disrupt MC1R protein function with a negative predictive value of 80%. Experimental studies have shown that this missense change affects MC1R function (PMID: 19338054). In summary, the available evidence is currently insufficient to determine the role of this variant in disease. Therefore, it has been classified as a Variant of Uncertain Significance.

Illumina Laboratory Services, Illumina
Classification: Uncertain significance for Melanoma, cutaneous malignant, susceptibility to, 5. Last evaluated: 2017-04-27. Review status: criteria provided, single submitter. Criteria: ICSL Variant Classification Criteria 13 December 2019. Collection method: clinical testing. Allele origin: germline.

Literature cited by the submitters: PubMed 17434924 (cited by Labcorp Genetics (formerly Invitae), Labcorp); PubMed 19338054 (cited by Labcorp Genetics (formerly Invitae), Labcorp); PubMed 23647022 (cited by Labcorp Genetics (formerly Invitae), Labcorp).